The following is an entry in ClinVar:

ClinVar aggregate classification (germline): Benign/Likely benign. Review status: criteria provided, multiple submitters, no conflicts (2 of 4 stars). 13 submissions from 10 submitters: Benign (8); Likely benign (1). 4 of the submissions do not count toward it. Last evaluated 2025-02-16.

Conditions:
Developmental and epileptic encephalopathy, 42 (DEE42A). Also called: Epileptic encephalopathy, early infantile, 42; DEVELOPMENTAL AND EPILEPTIC ENCEPHALOPATHY 42A; EPILEPTIC ENCEPHALOPATHY, EARLY INFANTILE, 42A. Identifiers: MedGen C4310716, MONDO:0014917, OMIM 617106.
Episodic ataxia type 2 (EA2). Also called: ATAXIA, EPISODIC, WITH NYSTAGMUS; ATAXIA, FAMILIAL PAROXYSMAL; CEREBELLAR ATAXIA, PAROXYSMAL, ACETAZOLAMIDE-RESPONSIVE; CEREBELLOPATHY, HEREDITARY PAROXYSMAL; ACETAZOLAMIDE-RESPONSIVE HEREDITARY PAROXYSMAL CEREBELLAR ATAXIA; EPISODIC ATAXIA, NYSTAGMUS-ASSOCIATED. Identifiers: Orphanet 97, MedGen C1720416, MONDO:0007163, OMIM 108500.
Spinocerebellar ataxia type 6 (SCA6). Identifiers: Orphanet 98758, MedGen C0752124, MONDO:0008457, OMIM 183086.
Migraine, familial hemiplegic, 1. Also called: MIGRAINE, FAMILIAL HEMIPLEGIC 1, WITH PROGRESSIVE CEREBELLAR ATAXIA. Identifiers: Orphanet 569, MedGen C1832884, MONDO:0020756, OMIM 141500, MONDO:0007714.

Submissions (13):

Laboratory of Genetics, Children's Clinical University Hospital Latvia
Classification: Benign. Last evaluated: 2025-02-16. Review status: criteria provided, single submitter. Criteria: ACMG Guidelines, 2015. Collection method: clinical testing. Allele origin: germline. Affected: yes.

Blueprint Genetics
Classification: Benign. Last evaluated: 2024-11-28. Review status: criteria provided, single submitter. Criteria: ACMG Guidelines, 2015. Collection method: clinical testing. Allele origin: germline.

Unidad de Genómica Garrahan, Hospital de Pediatría Garrahan
Classification: Benign. Last evaluated: 2024-07-15. Review status: criteria provided, single submitter. Criteria: ACMG Guidelines, 2015. Collection method: clinical testing. Allele origin: germline. Affected: no. Observed: 37 variant alleles.
Comment: This variant is classified as Benign based on local population frequency. This variant was detected in 40% of patients studied in a panel designed for Epileptic and Developmental Encephalopathy and Progressive Myoclonus Epilepsy. Number of patients: 37. Only high quality variants are reported.

Genome-Nilou Lab
Classification: Benign for Developmental and epileptic encephalopathy, 42. Last evaluated: 2021-07-14. Review status: criteria provided, single submitter. Criteria: ACMG Guidelines, 2015. Collection method: clinical testing. Allele origin: germline. Affected: no.

Genome-Nilou Lab
Classification: Benign for Episodic ataxia type 2. Last evaluated: 2021-07-14. Review status: criteria provided, single submitter. Criteria: ACMG Guidelines, 2015. Collection method: clinical testing. Allele origin: germline. Affected: no.

Genome-Nilou Lab
Classification: Benign for Migraine, familial hemiplegic, 1. Last evaluated: 2021-07-14. Review status: criteria provided, single submitter. Criteria: ACMG Guidelines, 2015. Collection method: clinical testing. Allele origin: germline. Affected: no.

Genome-Nilou Lab
Classification: Benign for Spinocerebellar ataxia type 6. Last evaluated: 2021-07-14. Review status: criteria provided, single submitter. Criteria: ACMG Guidelines, 2015. Collection method: clinical testing. Allele origin: germline. Affected: no.

GeneDx
Classification: Benign. Last evaluated: 2020-11-10. Review status: criteria provided, single submitter. Criteria: GeneDx Variant Classification Process June 2021. Collection method: clinical testing. Allele origin: germline. Affected: yes.

Center for Pediatric Genomic Medicine, Children's Mercy Hospital and Clinics
Classification: Likely benign. Last evaluated: 2017-06-20. Review status: criteria provided, single submitter. Criteria: ACMG Guidelines, 2015. Collection method: clinical testing. Allele origin: germline.

Clinical Genetics DNA and cytogenetics Diagnostics Lab, Erasmus MC, Erasmus Medical Center
Classification: Benign. Review status: no assertion criteria provided. Collection method: clinical testing. Allele origin: germline. Affected: yes. Study: VKGL Data-share Consensus. Not counted in ClinVar's aggregate classification.

Diagnostic Laboratory, Department of Genetics, University Medical Center Groningen
Classification: Benign. Review status: no assertion criteria provided. Collection method: clinical testing. Allele origin: germline. Affected: yes. Study: VKGL Data-share Consensus. Not counted in ClinVar's aggregate classification.

Genome Diagnostics Laboratory, University Medical Center Utrecht
Classification: Likely benign. Review status: no assertion criteria provided. Collection method: clinical testing. Allele origin: germline. Affected: yes. Study: VKGL Data-share Consensus. Not counted in ClinVar's aggregate classification.

Laboratory of Diagnostic Genome Analysis, Leiden University Medical Center (LUMC)
Classification: Likely benign. Review status: no assertion criteria provided. Collection method: clinical testing. Allele origin: germline. Affected: yes. Study: VKGL Data-share Consensus. Not counted in ClinVar's aggregate classification.

NM_001127222.2(CACNA1A):c.6937CAG[11] (p.Gln2324_Gln2325del)

Genes: CACNA1A (calcium voltage-gated channel subunit alpha1 A; minus strand), LOC108663985 (calcium voltage-gated channel subunit alpha1 A repeat instability region; plus strand). Cytogenetic location: 19p13.13.
Variant type: Microsatellite.
Coding change: c.6937CAG[11] on transcript NM_001127222.2 (MANE Select); 11 copies in a row of the 3-base unit CAG starting at c.6937; the reference has 13 copies in a row; two copies, 6 bases deleted.
Protein change: p.Gln2324_Gln2325del.
Molecular consequence: inframe deletion. On other transcripts: 3 prime UTR variant (3).
Genome position (GRCh38, 1-based): chr19:13,207,859-13,207,864, CTGCTG deleted on the plus strand (CAGCAG on the coding strand, the reverse complement: CACNA1A is on the minus strand); deleting any 6 consecutive bases within chr19:13,207,859-13,207,898 gives the same sequence; the position shown is the placement nearest the transcript's 3' end. VCF-style (leftmost placement, unchanged base first): chr19-13207858-CCTGCTG-C. GRCh37 (hg19) VCF-style: chr19-13318672-CCTGCTG-C.
Other names: c.*149CAG[11] (NM_000068.4, NM_001127221.2, NM_001174080.2); c.6955CAG[11], p.Gln2330_Gln2331del (NM_023035.3).
Identifiers: ClinVar variation 445458 (VCV000445458.14), dbSNP rs16054, ClinGen allele CA9239226.